The following is an entry in ClinVar:

NM_016169.4(SUFU):c.1306A>G (p.Thr436Ala)

Gene: SUFU (SUFU negative regulator of hedgehog signaling; plus strand). Cytogenetic location: 10q24.32.
Variant type: single nucleotide variant.
Coding change: c.1306A>G on transcript NM_016169.4 (MANE Select); coding-DNA position 1306, A replaced by G.
Protein change: p.Thr436Ala; replaces threonine 436 with alanine.
Molecular consequence: missense variant.
Genome position (GRCh38, 1-based): chr10:102,627,184, A>G. VCF-style: chr10-102627184-A-G. GRCh37 (hg19) VCF-style: chr10-104386941-A-G.
Other names: short protein forms T436A.
Identifiers: ClinVar variation 4782324 (VCV004782324.2).

ClinVar aggregate classification (germline): Uncertain significance. Review status: criteria provided, multiple submitters, no conflicts (2 of 4 stars). 2 submissions from 2 submitters: Uncertain significance (2). Last evaluated 2026-01-14.

Conditions:
Hereditary cancer-predisposing syndrome. Also called: Neoplastic Syndromes, Hereditary; Hereditary neoplastic syndrome; Tumor predisposition; Hereditary Cancer Syndrome. Identifiers: Orphanet 140162, MedGen C0027672, MeSH D009386, MONDO:0015356.
Medulloblastoma (MDB). Also called: Medulloblastoma, somatic; MEDULLOBLASTOMA PREDISPOSITION SYNDROME. Identifiers: Orphanet 616, MedGen C0025149, MeSH D008527, MONDO:0007959, OMIM 155255, HP:0002885.
Gorlin syndrome. Also called: Nevoid Basal Cell Carcinoma Syndrome; Basal cell nevus syndrome. Identifiers: Orphanet 377, MedGen C0004779, MONDO:0007187.

Submissions (2):

Ambry Genetics
Classification: Uncertain significance for Hereditary cancer-predisposing syndrome. Last evaluated: 2026-01-14. Review status: criteria provided, single submitter. Criteria: Ambry Variant Classification Scheme 2023. Collection method: clinical testing. Allele origin: germline.

Labcorp Genetics (formerly Invitae), Labcorp
Classification: Uncertain significance for Gorlin syndrome; Medulloblastoma. Last evaluated: 2025-08-17. Review status: criteria provided, single submitter. Criteria: Invitae Variant Classification Sherloc (09022015). Collection method: clinical testing. Allele origin: germline.
Comment: This sequence change replaces threonine, which is neutral and polar, with alanine, which is neutral and non-polar, at codon 436 of the SUFU protein (p.Thr436Ala). This variant is not present in population databases (gnomAD no frequency). This variant has not been reported in the literature in individuals affected with SUFU-related conditions. Invitae Evidence Modeling of protein sequence and biophysical properties (such as structural, functional, and spatial information, amino acid conservation, physicochemical variation, residue mobility, and thermodynamic stability) indicates that this missense variant is not expected to disrupt SUFU protein function with a negative predictive value of 80%. In summary, the available evidence is currently insufficient to determine the role of this variant in disease. Therefore, it has been classified as a Variant of Uncertain Significance.